The following is an entry in ClinVar:

NM_000243.3(MEFV):c.564C>T (p.Pro188=)

Gene: MEFV (MEFV innate immunity regulator, pyrin; minus strand). Cytogenetic location: 16p13.3.
Variant type: single nucleotide variant.
Coding change: c.564C>T on transcript NM_000243.3 (MANE Select); coding-DNA position 564, C replaced by T.
Protein change: p.Pro188=; no amino-acid change (proline 188 retained).
Molecular consequence: synonymous variant. On other transcripts: intron variant (1).
Genome position (GRCh38, 1-based): chr16:3,254,504, G>A on the plus strand (C>T on the coding strand, the complement: MEFV is on the minus strand). VCF-style: chr16-3254504-G-A. GRCh37 (hg19) VCF-style: chr16-3304504-G-A.
Other names: c.277+1807C>T (NM_001198536.2).
Identifiers: ClinVar variation 319116 (VCV000319116.70), dbSNP rs775755423, ClinGen allele CA7860398.

ClinVar aggregate classification (germline): Conflicting classifications of pathogenicity. Review status: criteria provided, conflicting classifications (1 of 4 stars). 8 submissions from 8 submitters: Uncertain significance (1); Likely benign (6). 1 of the submissions does not count toward it. Last evaluated 2026-02-02.

Conditions:
Familial Mediterranean fever (FMF). Also called: POLYSEROSITIS, FAMILIAL PAROXYSMAL; POLYSEROSITIS, RECURRENT; Periodic peritonitis; Benign paroxysmal peritonitis. Identifiers: Orphanet 342, MedGen C0031069, MONDO:0018088, OMIM 249100. Disease mechanism: gain of function.
Inborn genetic diseases. Identifiers: MedGen C0950123, MeSH D030342.

Allele frequency attached by ClinVar (database versions not stated): TOPMed 0.00008.
gnomAD v4.1: 119 of 1,569,408 alleles (0.0076%); highest among the groups gnomAD compares: South Asian, 0.1%; no homozygotes.

Submissions (8):

Labcorp Genetics (formerly Invitae), Labcorp
Classification: Likely benign for Familial Mediterranean fever. Last evaluated: 2026-02-02. Review status: criteria provided, single submitter. Criteria: Invitae Variant Classification Sherloc (09022015). Collection method: clinical testing. Allele origin: germline.

Ambry Genetics
Classification: Likely benign for Inborn genetic diseases. Last evaluated: 2025-03-08. Review status: criteria provided, single submitter. Criteria: Ambry Variant Classification Scheme 2023. Collection method: clinical testing. Allele origin: germline.

Genome-Nilou Lab
Classification: Likely benign for Familial Mediterranean fever. Last evaluated: 2021-05-18. Review status: criteria provided, single submitter. Criteria: ACMG Guidelines, 2015. Collection method: clinical testing. Allele origin: germline. Affected: no.

ARUP Laboratories, Molecular Genetics and Genomics, ARUP Laboratories
Classification: Likely benign. Last evaluated: 2019-08-07. Review status: criteria provided, single submitter. Criteria: ARUP Molecular Germline Variant Investigation Process. Collection method: clinical testing. Allele origin: germline.

GeneDx
Classification: Likely benign. Last evaluated: 2018-05-04. Review status: criteria provided, single submitter. Criteria: GeneDx Variant Classification (06012015). Collection method: clinical testing. Allele origin: germline. Affected: yes.
Comment: This variant is considered likely benign or benign based on one or more of the following criteria: it is a conservative change, it occurs at a poorly conserved position in the protein, it is predicted to be benign by multiple in silico algorithms, and/or has population frequency not consistent with disease.

Illumina Laboratory Services, Illumina
Classification: Uncertain significance for Familial Mediterranean fever. Last evaluated: 2018-01-13. Review status: criteria provided, single submitter. Criteria: ICSL Variant Classification Criteria 13 December 2019. Collection method: clinical testing. Allele origin: germline.

CeGaT Center for Human Genetics Tuebingen
Classification: Likely benign. Last evaluated: 2017-11-01. Review status: criteria provided, single submitter. Criteria: CeGaT Center For Human Genetics Tuebingen Variant Classification Criteria Version 2. Collection method: clinical testing. Allele origin: germline. Affected: yes. Observed: 1 variant allele.

Natera, Inc.
Classification: Likely benign for Familial Mediterranean fever. Last evaluated: 2020-01-05. Review status: no assertion criteria provided. Collection method: clinical testing. Allele origin: germline. Not counted in ClinVar's aggregate classification.